The following is an entry in ClinVar:

NM_020778.5(ALPK3):c.973_976dup (p.Gly326fs)

Gene: ALPK3 (alpha kinase 3; plus strand). Cytogenetic location: 15q25.3.
Variant type: Microsatellite.
Coding change: c.973_976dup on transcript NM_020778.5 (MANE Select); coding-DNA positions 973 to 976, 4 bases duplicated (CAAG; older notation c.973_976dupCAAG).
Protein change: p.Gly326fs; shifts the reading frame from glycine 326.
Molecular consequence: frameshift variant.
Genome position (GRCh38, 1-based): chr15:84,840,252-84,840,255, CAAG duplicated; duplicating any 4 consecutive bases within chr15:84,840,248-84,840,255 gives the same sequence; the c. name uses the placement nearest the transcript's 3' end. VCF-style (leftmost placement, unchanged base first): chr15-84840247-C-CCAAG. GRCh37 (hg19) VCF-style: chr15-85383478-C-CCAAG.
Other names: short protein forms G326fs.
Identifiers: ClinVar variation 2738752 (VCV002738752.3), dbSNP rs2505705775, ClinGen allele CA2697549430.
Genomic context (GRCh38, chr15:84,840,247, plus strand): 5'-GGCCTCAGAGAGCCCTCAAAGAGGAGAGTGGGGCCAAGAAGAAAAAGAAAGATGAGGAAT[C>CCAAG]CAAGCAAGGCCTGCGGAAGCCAGAGTTAGAGAAGGCAGCCCAAAGCCGCCGTTCTTCAGA-3'

ClinVar aggregate classification (germline): Pathogenic (1 of 4 stars; one submission).

Submission:

Labcorp Genetics (formerly Invitae), Labcorp
Classification: Pathogenic. Last evaluated: 2023-09-10. Review status: criteria provided, single submitter. Criteria: Invitae Variant Classification Sherloc (09022015). Collection method: clinical testing. Allele origin: germline.
Comment: For these reasons, this variant has been classified as Pathogenic. This variant has not been reported in the literature in individuals affected with ALPK3-related conditions. This variant is not present in population databases (gnomAD no frequency). This sequence change creates a premature translational stop signal (p.Gly528Alafs*29) in the ALPK3 gene. It is expected to result in an absent or disrupted protein product. Loss-of-function variants in ALPK3 are known to be pathogenic (PMID: 21441111, 26846950, 27106955, 34263907).

Literature cited by the submitters: PubMed 21441111; PubMed 26846950; PubMed 27106955; PubMed 34263907.